The following is an entry in ClinVar:

ClinVar aggregate classification (germline): Likely benign (1 of 4 stars; one submission).

Conditions:
Myopathy, lactic acidosis, and sideroblastic anemia 2 (MLASA2). Identifiers: Orphanet 2598, MedGen C3150802, MONDO:0013307, OMIM 613561.

Allele frequency attached by ClinVar (database versions not stated): gnomAD exomes 0.00010; gnomAD 0.00170 and 0.00179; TOPMed 0.00189; 1000 Genomes Project 0.00220; 1000 Genomes Project 30x 0.00250.

Submission:

Illumina Laboratory Services, Illumina
Classification: Likely benign for Myopathy, lactic acidosis, and sideroblastic anemia 2. Last evaluated: 2018-01-13. Review status: criteria provided, single submitter. Criteria: ICSL Variant Classification Criteria 13 December 2019. Collection method: clinical testing. Allele origin: germline.
Comment: This variant was observed in the ICSL laboratory as part of a predisposition screen in an ostensibly healthy population. It had not been previously curated by ICSL or reported in the Human Gene Mutation Database (HGMD: prior to June 1st, 2018), and was therefore a candidate for classification through an automated scoring system. Utilizing variant allele frequency, disease prevalence and penetrance estimates, and inheritance mode, an automated score was calculated to assess if this variant is too frequent to cause the disease. Based on the score and internal cut-off values, a variant classified as likely benign is not then subjected to further curation. The score for this variant resulted in a classification of likely benign for this disease.

NM_001040436.3(YARS2):c.*469C>T

Gene: YARS2 (tyrosyl-tRNA synthetase 2; minus strand). Cytogenetic location: 12p11.21.
Variant type: single nucleotide variant.
Coding change: c.*469C>T on transcript NM_001040436.3 (MANE Select); 469 bases downstream of the stop codon, C replaced by T.
Molecular consequence: 3 prime UTR variant.
Genome position (GRCh38, 1-based): chr12:32,746,735, G>A on the plus strand (C>T on the coding strand, the complement: YARS2 is on the minus strand). VCF-style: chr12-32746735-G-A. GRCh37 (hg19) VCF-style: chr12-32899669-G-A.
Identifiers: ClinVar variation 883196 (VCV000883196.4), dbSNP rs182429712, ClinGen allele CA235211968.